The following is an entry in ClinVar:

NM_021930.6(RINT1):c.2099G>C (p.Gly700Ala)

Genes: EFCAB10 (EF-hand calcium binding domain 10; minus strand), RINT1 (RAD50 interactor 1; plus strand). Cytogenetic location: 7q22.3.
Variant type: single nucleotide variant.
Coding change: c.2099G>C on transcript NM_021930.6 (MANE Select); coding-DNA position 2099, G replaced by C.
Protein change: p.Gly700Ala; replaces glycine 700 with alanine.
Molecular consequence: missense variant. On other transcripts: synonymous variant (1), non-coding transcript variant (1), intron variant (2).
Genome position (GRCh38, 1-based): chr7:105,565,561, G>C. VCF-style: chr7-105565561-G-C. GRCh37 (hg19) VCF-style: chr7-105206008-G-C.
Other names: c.438C>G, p.Leu146= (NM_001355530.2); c.1865G>C, p.Gly622Ala (NM_001346599.2); c.1076G>C, p.Gly359Ala (NM_001346600.2, NM_001346603.2); c.1175G>C, p.Gly392Ala (NM_001346601.2); c.360-114C>G (NM_001355531.2); c.384-114C>G (NM_001355526.2); short protein forms G700A, G359A, G392A, G622A.
Identifiers: ClinVar variation 2622799 (VCV002622799.2), dbSNP rs1791683378, ClinGen allele CA368815112.

ClinVar aggregate classification (germline): Uncertain significance (1 of 4 stars; one submission).

Allele frequency attached by ClinVar (database versions not stated): gnomAD exomes below 0.00001; TOPMed 0.00001.
gnomAD v4.1: 3 of 1,613,834 alleles (0.00019%); highest among the groups gnomAD compares: Non-Finnish European, 0.00025%; no homozygotes.

Submission:

Ambry Genetics
Classification: Uncertain significance. Last evaluated: 2023-09-10. Review status: criteria provided, single submitter. Criteria: Ambry Variant Classification Scheme 2023. Collection method: clinical testing. Allele origin: germline.
Comment: The p.G700A variant (also known as c.2099G>C), located in coding exon 14 of the RINT1 gene, results from a G to C substitution at nucleotide position 2099. The glycine at codon 700 is replaced by alanine, an amino acid with similar properties. This amino acid position is conserved. In addition, this alteration is predicted to be deleterious by in silico analysis. Since supporting evidence is limited at this time, the clinical significance of this alteration remains unclear.